The following is an entry in ClinVar:

ClinVar aggregate classification (germline): Uncertain significance. Review status: criteria provided, multiple submitters, no conflicts (2 of 4 stars). 2 submissions from 2 submitters: Uncertain significance (2). Last evaluated 2023-11-08.

Conditions:
Renal cell carcinoma. Identifiers: Orphanet 217071, MedGen C0007134, MeSH D002292, MONDO:0005086, HP:0005584.
Hereditary cancer-predisposing syndrome. Also called: Hereditary Cancer Syndrome; Hereditary neoplastic syndrome; Neoplastic Syndromes, Hereditary; Tumor predisposition. Identifiers: Orphanet 140162, MedGen C0027672, MeSH D009386, MONDO:0015356.

Allele frequency attached by ClinVar (database versions not stated): gnomAD exomes below 0.00001.
gnomAD v4.1: 1 of 1,613,670 alleles (0.000062%); highest among the groups gnomAD compares: Non-Finnish European, 0.000085%; no homozygotes.

Submissions (2):

Ambry Genetics
Classification: Uncertain significance for Hereditary cancer-predisposing syndrome. Last evaluated: 2023-11-08. Review status: criteria provided, single submitter. Criteria: Ambry Variant Classification Scheme 2023. Collection method: clinical testing. Allele origin: germline.
Comment: The p.C709Y variant (also known as c.2126G>A), located in coding exon 8 of the MET gene, results from a G to A substitution at nucleotide position 2126. The cysteine at codon 709 is replaced by tyrosine, an amino acid with highly dissimilar properties. This amino acid position is highly conserved in available vertebrate species. In addition, this alteration is predicted to be deleterious by in silico analysis. Since supporting evidence is limited at this time, the clinical significance of this alteration remains unclear.

Labcorp Genetics (formerly Invitae), Labcorp
Classification: Uncertain significance for Renal cell carcinoma. Last evaluated: 2022-07-19. Review status: criteria provided, single submitter. Criteria: Invitae Variant Classification Sherloc (09022015). Collection method: clinical testing. Allele origin: germline.
Comment: This variant is not present in population databases (gnomAD no frequency). This sequence change replaces cysteine, which is neutral and slightly polar, with tyrosine, which is neutral and polar, at codon 709 of the MET protein (p.Cys709Tyr). This variant has not been reported in the literature in individuals affected with MET-related conditions. In summary, the available evidence is currently insufficient to determine the role of this variant in disease. Therefore, it has been classified as a Variant of Uncertain Significance. Algorithms developed to predict the effect of missense changes on protein structure and function are either unavailable or do not agree on the potential impact of this missense change (SIFT: "Deleterious"; PolyPhen-2: "Probably Damaging"; Align-GVGD: "Class C0"). ClinVar contains an entry for this variant (Variation ID: 454206).

NM_000245.4(MET):c.2126G>A (p.Cys709Tyr)

Gene: MET (MET proto-oncogene, receptor tyrosine kinase; plus strand). Cytogenetic location: 7q31.2.
Variant type: single nucleotide variant.
Coding change: c.2126G>A on transcript NM_000245.4 (MANE Select); coding-DNA position 2126, G replaced by A.
Protein change: p.Cys709Tyr; replaces cysteine 709 with tyrosine.
Molecular consequence: missense variant.
Genome position (GRCh38, 1-based): chr7:116,758,482, G>A. VCF-style: chr7-116758482-G-A. GRCh37 (hg19) VCF-style: chr7-116398536-G-A.
Other names: c.2126G>A, p.Cys709Tyr (NM_001127500.3, NM_001324401.3); c.836G>A, p.Cys279Tyr (NM_001324402.2); short protein forms C709Y, C279Y.
Identifiers: ClinVar variation 454206 (VCV000454206.12), dbSNP rs1554395668, ClinGen allele CA368980447.